The following is an entry in ClinVar:

ClinVar aggregate classification (germline): Pathogenic (1 of 4 stars; one submission).

Conditions:
Hereditary cancer-predisposing syndrome. Also called: Neoplastic Syndromes, Hereditary; Tumor predisposition; Hereditary Cancer Syndrome; Hereditary neoplastic syndrome. Identifiers: Orphanet 140162, MedGen C0027672, MeSH D009386, MONDO:0015356.

Submission:

Ambry Genetics
Classification: Pathogenic for Hereditary cancer-predisposing syndrome. Last evaluated: 2021-06-21. Review status: criteria provided, single submitter. Criteria: Ambry Variant Classification Scheme 2023. Collection method: clinical testing. Allele origin: germline.
Comment: The p.C419* pathogenic mutation (also known as c.1257C>A), located in coding exon 4 of the PALB2 gene, results from a C to A substitution at nucleotide position 1257. This changes the amino acid from a cysteine to a stop codon within coding exon 4. This alteration is expected to result in loss of function by premature protein truncation or nonsense-mediated mRNA decay. As such, this alteration is interpreted as a disease-causing mutation.

NM_024675.4(PALB2):c.1257C>A (p.Cys419Ter)

Gene: PALB2 (partner and localizer of BRCA2; minus strand). Cytogenetic location: 16p12.2.
Variant type: single nucleotide variant.
Coding change: c.1257C>A on transcript NM_024675.4 (MANE Select); coding-DNA position 1257, C replaced by A.
Protein change: p.Cys419Ter; replaces cysteine 419 with a stop codon.
Molecular consequence: nonsense.
Genome position (GRCh38, 1-based): chr16:23,635,289, G>T on the plus strand (C>A on the coding strand, the complement: PALB2 is on the minus strand). VCF-style: chr16-23635289-G-T. GRCh37 (hg19) VCF-style: chr16-23646610-G-T.
Other names: c.1197C>A, p.Cys399Ter (NM_001407296.1); c.1257C>A, p.Cys419Ter (NM_001407297.1, NM_001407298.1, NM_001407299.1 and 3 more transcripts); c.372C>A, p.Cys124Ter (NM_001407304.1, NM_001407305.1, NM_001407306.1 and 5 more transcripts); short protein forms C124*, C419*, C399*.
Identifiers: ClinVar variation 1762018 (VCV001762018.2), dbSNP rs786201086, ClinGen allele CA395132823.